The following is an entry in ClinVar:

ClinVar aggregate classification (germline): Pathogenic (1 of 4 stars; one submission).

Conditions:
Brain malformations with or without urinary tract defects. Also called: Brain malformations and urinary tract defects. Identifiers: MedGen C4478940, MONDO:0100478, OMIM 613735.

Submission:

3billion
Classification: Pathogenic for Brain malformations with or without urinary tract defects. Last evaluated: 2024-08-02. Review status: criteria provided, single submitter. Criteria: ACMG Guidelines, 2015. Collection method: clinical testing. Allele origin: germline. Affected: yes.
Comment: The variant is not observed in the gnomAD v4.0.0 dataset. Predicted Consequence/Location: Frameshift: predicted to result in a loss or disruption of normal protein function through nonsense-mediated decay (NMD) or protein truncation. Multiple pathogenic variants are reported downstream of the variant. Therefore, this variant is classified as Pathogenic according to the recommendation of ACMG/AMP guideline.

NM_001134673.4(NFIA):c.645_646insTC (p.Phe217fs)

Gene: NFIA (nuclear factor I A; plus strand). Cytogenetic location: 1p31.3.
Variant type: Insertion.
Coding change: c.645_646insTC on transcript NM_001134673.4 (MANE Select); coding-DNA positions 645 to 646, TC inserted.
Protein change: p.Phe217fs; shifts the reading frame from phenylalanine 217.
Molecular consequence: frameshift variant.
Genome position: GRCh38 VCF-style: chr1-61332530-A-ACT. GRCh37 (hg19) VCF-style: chr1-61798202-A-ACT.
Other names: c.621_622insTC, p.Phe209fs (NM_001145511.2); c.780_781insTC, p.Phe262fs (NM_001145512.2); c.645_646insTC, p.Phe217fs (NM_005595.5); short protein forms F209fs, F217fs, F262fs.
Identifiers: ClinVar variation 4292603 (VCV004292603.1).